The following is an entry in ClinVar:

ClinVar aggregate classification (germline): Benign (0 of 4 stars; one submission).

Conditions:
TRIM55-related disorder. Also called: TRIM55-related condition.

Allele frequency attached by ClinVar (database versions not stated): 1000 Genomes Project 30x 0.02592; TOPMed 0.02642; ESP Exome Variant Server 0.02683; 1000 Genomes Project 0.02336; gnomAD 0.02390.
gnomAD v4.1: 7,533 of 1,614,086 alleles (0.47%); highest among the groups gnomAD compares: African/African-American, 8.1%; 258 homozygotes.

Submissions (4):

PreventionGenetics, part of Exact Sciences
Classification: Benign for TRIM55-related condition. Last evaluated: 2019-08-01. Review status: no assertion criteria provided. Collection method: clinical testing. Allele origin: germline.
Comment: This variant is classified as benign based on ACMG/AMP sequence variant interpretation guidelines (Richards et al. 2015 PMID: 25741868, with internal and published modifications).

Dr. Peter K. Rogan Lab, Western University
No classification provided (evidence only). Condition: Thyroid cancer, nonmedullary, 1. Review status: no classification provided. Collection method: in vitro. Allele origin: not applicable. Functional consequence: retained intron. Not counted in ClinVar's aggregate classification.

Dr. Peter K. Rogan Lab, Western University
No classification provided (evidence only). Condition: Thyroid cancer, nonmedullary, 1. Review status: no classification provided. Collection method: in vitro. Allele origin: not applicable. Functional consequence: retained intron. Not counted in ClinVar's aggregate classification.

Dr. Peter K. Rogan Lab, Western University
No classification provided (evidence only). Condition: Uterine corpus endometrial carcinoma. Review status: no classification provided. Collection method: in vitro. Allele origin: not applicable. Functional consequence: retained intron. Not counted in ClinVar's aggregate classification.

NM_184085.2(TRIM55):c.1467G>A (p.Ala489=)

Gene: TRIM55 (tripartite motif containing 55; plus strand). Cytogenetic location: 8q13.1.
Variant type: single nucleotide variant.
Coding change: c.1467G>A on transcript NM_184085.2 (MANE Select); coding-DNA position 1467, G replaced by A.
Protein change: p.Ala489=; no amino-acid change (alanine 489 retained).
Molecular consequence: synonymous variant. On other transcripts: intron variant (2).
Genome position (GRCh38, 1-based): chr8:66,154,277, G>A. VCF-style: chr8-66154277-G-A. GRCh37 (hg19) VCF-style: chr8-67066512-G-A.
Other names: NC_000008.10:g.67066512G>A; c.1467G>A, p.Ala489= (NM_033058.3); c.1236+1650G>A (NM_184086.2); c.603+17087G>A (NM_184087.2).
Identifiers: ClinVar variation 3042389 (VCV003042389.3), dbSNP rs61745245, ClinGen allele CA4766012.